The following is an entry in ClinVar:

NM_000268.4(NF2):c.476A>G (p.Lys159Arg)

Gene: NF2 (NF2, moesin-ezrin-radixin like (MERLIN) tumor suppressor; plus strand). Cytogenetic location: 22q12.2.
Variant type: single nucleotide variant.
Coding change: c.476A>G on transcript NM_000268.4 (MANE Select); coding-DNA position 476, A replaced by G.
Protein change: p.Lys159Arg; replaces lysine 159 with arginine.
Molecular consequence: missense variant. On other transcripts: intron variant (1), 5 prime UTR variant (1).
Genome position (GRCh38, 1-based): chr22:29,654,685, A>G. VCF-style: chr22-29654685-A-G. GRCh37 (hg19) VCF-style: chr22-30050674-A-G.
Other names: c.362A>G, p.Lys121Arg (NM_001407053.1, NM_001407056.1); c.353A>G, p.Lys118Arg (NM_001407054.1, NM_181829.3, NM_001407058.1 and 1 more transcripts); c.350A>G, p.Lys117Arg (NM_001407055.1, NM_181828.3); c.245A>G, p.Lys82Arg (NM_001407067.1); c.476A>G, p.Lys159Arg (NM_016418.5, NM_181825.3, NM_181832.3 and 4 more transcripts); c.227A>G, p.Lys76Arg (NM_181830.3, NM_181831.3, NM_001407063.1 and 1 more transcripts); c.447+12400A>G (NM_181833.3); c.-165A>G (NM_001407065.1); short protein forms K117R, K118R, K82R, K159R, K121R, K76R.
Identifiers: ClinVar variation 2994428 (VCV002994428.3), dbSNP rs2518545513, ClinGen allele CA411142172.

ClinVar aggregate classification (germline): Uncertain significance (1 of 4 stars; one submission).

Conditions:
Neurofibromatosis, type 2 (SWNV). Also called: NF2-Related Schwannomatosis; BILATERAL ACOUSTIC NEUROFIBROMATOSIS; SCHWANNOMATOSIS, VESTIBULAR. Identifiers: Orphanet 637, MedGen C0027832, MONDO:0007039, OMIM 101000. Disease mechanism: loss of function.

Submission:

Labcorp Genetics (formerly Invitae), Labcorp
Classification: Uncertain significance for Neurofibromatosis, type 2. Last evaluated: 2023-05-02. Review status: criteria provided, single submitter. Criteria: Invitae Variant Classification Sherloc (09022015). Collection method: clinical testing. Allele origin: germline.
Comment: In summary, the available evidence is currently insufficient to determine the role of this variant in disease. Therefore, it has been classified as a Variant of Uncertain Significance. Advanced modeling of protein sequence and biophysical properties (such as structural, functional, and spatial information, amino acid conservation, physicochemical variation, residue mobility, and thermodynamic stability) performed at Invitae indicates that this missense variant is not expected to disrupt NF2 protein function. This variant has not been reported in the literature in individuals affected with NF2-related conditions. This variant is not present in population databases (gnomAD no frequency). This sequence change replaces lysine, which is basic and polar, with arginine, which is basic and polar, at codon 159 of the NF2 protein (p.Lys159Arg).